The following is an entry in ClinVar:

ClinVar aggregate classification (germline): Uncertain significance (1 of 4 stars; one submission).

Conditions:
Wilms tumor 1 (WT1). Also called: Wilms tumor, somatic. Identifiers: Orphanet 654, MedGen CN033288, MONDO:0008679, OMIM 194070.

Allele frequency attached by ClinVar (database versions not stated): gnomAD exomes below 0.00001.
gnomAD v4.1: 2 of 1,204,040 alleles (0.00017%); highest among the groups gnomAD compares: East Asian, 0.003%; no homozygotes.

Submission:

Labcorp Genetics (formerly Invitae), Labcorp
Classification: Uncertain significance for Wilms tumor 1. Last evaluated: 2025-06-25. Review status: criteria provided, single submitter. Criteria: Invitae Variant Classification Sherloc (09022015). Collection method: clinical testing. Allele origin: germline.
Comment: This sequence change replaces valine, which is neutral and non-polar, with isoleucine, which is neutral and non-polar, at codon 558 of the GPC3 protein (p.Val558Ile). This variant is not present in population databases (gnomAD no frequency). This variant has not been reported in the literature in individuals affected with GPC3-related conditions. ClinVar contains an entry for this variant (Variation ID: 835756). An algorithm developed to predict the effect of missense changes on protein structure and function (PolyPhen-2) suggests that this variant is likely to be tolerated. In summary, the available evidence is currently insufficient to determine the role of this variant in disease. Therefore, it has been classified as a Variant of Uncertain Significance.

NM_004484.4(GPC3):c.1672G>A (p.Val558Ile)

Gene: GPC3 (glypican 3; minus strand). Cytogenetic location: Xq26.2.
Variant type: single nucleotide variant.
Coding change: c.1672G>A on transcript NM_004484.4 (MANE Select); coding-DNA position 1672, G replaced by A.
Protein change: p.Val558Ile; replaces valine 558 with isoleucine.
Molecular consequence: missense variant.
Genome position (GRCh38, 1-based): chrX:133,536,195, C>T on the plus strand (G>A on the coding strand, the complement: GPC3 is on the minus strand). VCF-style: chrX-133536195-C-T. GRCh37 (hg19) VCF-style: chrX-132670223-C-T.
Other names: c.1741G>A, p.Val581Ile (NM_001164617.2); c.1624G>A, p.Val542Ile (NM_001164618.2); c.1510G>A, p.Val504Ile (NM_001164619.2); short protein forms V504I, V581I, V542I, V558I.
Identifiers: ClinVar variation 835756 (VCV000835756.10), dbSNP rs2069288412, ClinGen allele CA414702604.
Genomic context (GRCh38, chrX:133,536,195, plus strand): 5'-GGAAGAAGAAGCACACCACCGAGATGGCCATGCTGGTGAGAAGCTTCAGCGGGGAATGAA[C>T]GTTCCCGAGGTTGTGAAAGGTGCTTATCTCGTTGTCCTTCGGAGTTGCCTGCTGACTGTT-3'
Protein context (NP_004475.1, residues 548-568): EISTFHNLGN[Val558Ile]HSPLKLLTSM